The following is an entry in ClinVar:

NM_000257.4(MYH7):c.3974C>A (p.Ala1325Glu)

Gene: MYH7 (myosin heavy chain 7; minus strand). Cytogenetic location: 14q11.2.
Variant type: single nucleotide variant.
Coding change: c.3974C>A on transcript NM_000257.4 (MANE Select); coding-DNA position 3974, C replaced by A.
Protein change: p.Ala1325Glu; replaces alanine 1325 with glutamic acid.
Molecular consequence: missense variant.
Genome position (GRCh38, 1-based): chr14:23,418,405, G>T on the plus strand (C>A on the coding strand, the complement: MYH7 is on the minus strand). VCF-style: chr14-23418405-G-T. GRCh37 (hg19) VCF-style: chr14-23887614-G-T.
Other names: short protein forms A1325E.
Identifiers: ClinVar variation 1349630 (VCV001349630.8), dbSNP rs768393069, ClinGen allele CA389041348.

ClinVar aggregate classification (germline): Uncertain significance (1 of 4 stars; one submission).

Conditions:
Hypertrophic cardiomyopathy. Also called: HYPERTROPHIC MYOCARDIOPATHY. Identifiers: Orphanet 217569, MedGen C0007194, MeSH D002312, MONDO:0005045, HP:0001639.

gnomAD v4.1: 1 of 1,603,860 alleles (0.000062%); highest among the groups gnomAD compares: Non-Finnish European, 0.000085%; no homozygotes.

Submission:

Labcorp Genetics (formerly Invitae), Labcorp
Classification: Uncertain significance for Hypertrophic cardiomyopathy. Last evaluated: 2021-04-28. Review status: criteria provided, single submitter. Criteria: Invitae Variant Classification Sherloc (09022015). Collection method: clinical testing. Allele origin: germline.
Comment: This variant has not been reported in the literature in individuals with MYH7-related conditions. Algorithms developed to predict the effect of missense changes on protein structure and function are either unavailable or do not agree on the potential impact of this missense change (SIFT: "Deleterious"; PolyPhen-2: "Probably Damaging"; Align-GVGD: "Class C0"). In summary, the available evidence is currently insufficient to determine the role of this variant in disease. Therefore, it has been classified as a Variant of Uncertain Significance. This variant is not present in population databases (ExAC no frequency). This sequence change replaces alanine with glutamic acid at codon 1325 of the MYH7 protein (p.Ala1325Glu). The alanine residue is highly conserved and there is a moderate physicochemical difference between alanine and glutamic acid.